The following is an entry in ClinVar:

NM_003924.4(PHOX2B):c.185C>T (p.Pro62Leu)

Genes: PHOX2B (paired like homeobox 2B; minus strand), PHOX2B-AS1 (PHOX2B antisense RNA 1; plus strand). Cytogenetic location: 4p13.
Variant type: single nucleotide variant.
Coding change: c.185C>T on transcript NM_003924.4 (MANE Select); coding-DNA position 185, C replaced by T.
Protein change: p.Pro62Leu; replaces proline 62 with leucine.
Molecular consequence: missense variant. On other transcripts: non-coding transcript variant (1).
Genome position (GRCh38, 1-based): chr4:41,748,426, G>A on the plus strand (C>T on the coding strand, the complement: PHOX2B is on the minus strand). VCF-style: chr4-41748426-G-A. GRCh37 (hg19) VCF-style: chr4-41750443-G-A.
Other names: short protein forms P62L.
Identifiers: ClinVar variation 4136082 (VCV004136082.1).

ClinVar aggregate classification (germline): Uncertain significance (1 of 4 stars; one submission).

Conditions:
Hereditary cancer-predisposing syndrome. Also called: Hereditary neoplastic syndrome; Neoplastic Syndromes, Hereditary; Tumor predisposition; Hereditary Cancer Syndrome. Identifiers: Orphanet 140162, MedGen C0027672, MeSH D009386, MONDO:0015356.

gnomAD v4.1: 2 of 1,614,066 alleles (0.00012%); highest among the groups gnomAD compares: Non-Finnish European, 0.000085%; no homozygotes.

Submission:

Ambry Genetics
Classification: Uncertain significance for Hereditary cancer-predisposing syndrome. Last evaluated: 2025-06-27. Review status: criteria provided, single submitter. Criteria: Ambry Variant Classification Scheme 2023. Collection method: clinical testing. Allele origin: germline.
Comment: The p.P62L variant (also known as c.185C>T), located in coding exon 1 of the PHOX2B gene, results from a C to T substitution at nucleotide position 185. The proline at codon 62 is replaced by leucine, an amino acid with similar properties. This amino acid position is conserved. In addition, the in silico prediction for this alteration is inconclusive. Based on the available evidence, the clinical significance of this variant remains unclear.